The following is an entry in ClinVar:

NM_145246.5(FRA10AC1):c.174-2A>C

Gene: FRA10AC1 (FRA10A associated CGG repeat 1; minus strand). Cytogenetic location: 10q23.33.
Variant type: single nucleotide variant.
Coding change: c.174-2A>C on transcript NM_145246.5 (MANE Select); the canonical splice acceptor site of the intron before coding-DNA position 174, A replaced by C.
Molecular consequence: splice acceptor variant.
Genome position (GRCh38, 1-based): chr10:93,698,183, T>G on the plus strand (A>C on the coding strand, the complement: FRA10AC1 is on the minus strand). VCF-style: chr10-93698183-T-G. GRCh37 (hg19) VCF-style: chr10-95457940-T-G.
Other names: c.174-2A>C (NM_001347714.2, NM_001347715.2, NM_001347713.2 and 1 more transcripts).
Identifiers: ClinVar variation 2430334 (VCV002430334.2), dbSNP rs2492724053, ClinGen allele CA377612646.

ClinVar aggregate classification (germline): Uncertain significance (1 of 4 stars; one submission).

Submission:

Centre of Medical Genetics, University Hospital Muenster
Classification: Uncertain significance. Last evaluated: 2022-11-25. Review status: criteria provided, single submitter. Criteria: ACMG Guidelines, 2015. Collection method: clinical testing. Allele origin: unknown. Affected: yes. Observed: 1 variant allele, 1 homozygote.
Comment: ACMG categories: PVS1